The following is an entry in ClinVar:

ClinVar aggregate classification (germline): Likely benign (0 of 4 stars; one submission).

Conditions:
BCORL1-related disorder. Also called: BCORL1-related condition.

Allele frequency attached by ClinVar (database versions not stated): gnomAD exomes 0.00009; ExAC 0.00022; 1000 Genomes Project 0.00026; ESP Exome Variant Server 0.00028; gnomAD 0.00038; 1000 Genomes Project 30x 0.00042; TOPMed 0.00059.
gnomAD v4.1: 150 of 1,208,969 alleles (0.012%); highest among the groups gnomAD compares: African/African-American, 0.15%; no homozygotes.

Submission:

PreventionGenetics, part of Exact Sciences
Classification: Likely benign for BCORL1-related condition. Last evaluated: 2019-08-28. Review status: no assertion criteria provided. Collection method: clinical testing. Allele origin: germline.
Comment: This variant is classified as likely benign based on ACMG/AMP sequence variant interpretation guidelines (Richards et al. 2015 PMID: 25741868, with internal and published modifications).

NM_001379451.1(BCORL1):c.591T>C (p.Ser197=)

Gene: BCORL1 (BCL6 corepressor like 1; plus strand). Cytogenetic location: Xq26.1.
Variant type: single nucleotide variant.
Coding change: c.591T>C on transcript NM_001379451.1 (MANE Select); coding-DNA position 591, T replaced by C.
Protein change: p.Ser197=; no amino-acid change (serine 197 retained).
Molecular consequence: synonymous variant.
Genome position (GRCh38, 1-based): chrX:130,013,363, T>C. VCF-style: chrX-130013363-T-C. GRCh37 (hg19) VCF-style: chrX-129147339-T-C.
Other names: c.591T>C, p.Ser197= (NM_001184772.3, NM_001379450.1, NM_021946.5).
Identifiers: ClinVar variation 3052421 (VCV003052421.2), dbSNP rs142564302, ClinGen allele CA10514144.